The following is an entry in ClinVar:

ClinVar aggregate classification (germline): Pathogenic (1 of 4 stars; one submission).

Submission:

Labcorp Genetics (formerly Invitae), Labcorp
Classification: Pathogenic. Last evaluated: 2022-05-25. Review status: criteria provided, single submitter. Criteria: Invitae Variant Classification Sherloc (09022015). Collection method: clinical testing. Allele origin: germline.
Comment: For these reasons, this variant has been classified as Pathogenic. This variant has not been reported in the literature in individuals affected with DGUOK-related conditions. This variant is not present in population databases (gnomAD no frequency). This sequence change creates a premature translational stop signal (p.Trp75*) in the DGUOK gene. It is expected to result in an absent or disrupted protein product. Loss-of-function variants in DGUOK are known to be pathogenic (PMID: 18205204).

Literature cited by the submitters: PubMed 18205204.

NM_080916.3(DGUOK):c.225G>A (p.Trp75Ter)

Gene: DGUOK (deoxyguanosine kinase; plus strand). Cytogenetic location: 2p13.1.
Variant type: single nucleotide variant.
Coding change: c.225G>A on transcript NM_080916.3 (MANE Select); coding-DNA position 225, G replaced by A.
Protein change: p.Trp75Ter; replaces tryptophan 75 with a stop codon.
Molecular consequence: nonsense. On other transcripts: intron variant (4).
Genome position (GRCh38, 1-based): chr2:73,938,992, G>A. VCF-style: chr2-73938992-G-A. GRCh37 (hg19) VCF-style: chr2-74166119-G-A.
Other names: c.225G>A, p.Trp75Ter (NM_001318859.2, NM_080918.3); c.-37+6309G>A (NM_001318861.2, NM_001318862.2); c.-36-7727G>A (NM_001318860.2, NM_001318863.2); short protein forms W75*.
Identifiers: ClinVar variation 1968811 (VCV001968811.5), dbSNP rs2466998379, ClinGen allele CA347297654.